The following is an entry in ClinVar:

ClinVar aggregate classification (germline): Uncertain significance (1 of 4 stars; one submission).

Conditions:
Cohen syndrome (COH1). Also called: Cutis verticis gyrata, retinitis pigmentosa, and sensorineural deafness; PEPPER SYNDROME. Identifiers: Orphanet 193, MedGen C0265223, MONDO:0008999, OMIM 216550.

Allele frequency attached by ClinVar (database versions not stated): gnomAD exomes below 0.00001 and 0.00001; ExAC 0.00001; gnomAD 0.00001.
gnomAD v4.1: 11 of 1,613,500 alleles (0.00068%); highest among the groups gnomAD compares: South Asian, 0.0099%; no homozygotes.

Submission:

Center for Genomics, Ann and Robert H. Lurie Children's Hospital of Chicago
Classification: Uncertain significance for Cohen syndrome. Last evaluated: 2022-01-29. Review status: criteria provided, single submitter. Criteria: ACMG Guidelines, 2015. Collection method: clinical testing. Allele origin: germline.
Comment: VPS13B NM_017890.4 exon 60 p.Val3650Leu (c.10948G>T): This variant has not been reported in the literature but is present in 0.003% (1/30616) of South Asian alleles in the Genome Aggregation Database. Evolutionary conservation suggests that this variant may impact the protein; computational predictive tools are unclear. Although this variant occurs in the exonic region, computational prediction tools suggest that it may alter splicing. However, further studies are needed to understand its impact. In summary, data on this variant is insufficient for disease classification. Therefore, the clinical significance of this variant is uncertain.

NM_152564.5(VPS13B):c.10873G>T (p.Val3625Leu)

Gene: VPS13B (vacuolar protein sorting 13 homolog B; plus strand). Cytogenetic location: 8q22.2.
Variant type: single nucleotide variant.
Coding change: c.10873G>T on transcript NM_152564.5 (MANE Select); coding-DNA position 10873, G replaced by T.
Protein change: p.Val3625Leu; replaces valine 3625 with leucine.
Molecular consequence: missense variant.
Genome position (GRCh38, 1-based): chr8:99,859,309, G>T. VCF-style: chr8-99859309-G-T. GRCh37 (hg19) VCF-style: chr8-100871537-G-T.
Other names: c.10948G>T, p.Val3650Leu (NM_017890.5); short protein forms V3625L, V3650L.
Identifiers: ClinVar variation 1675149 (VCV001675149.1), dbSNP rs777314496, ClinGen allele CA4825057.